The following is an entry in ClinVar:

NM_001005373.4(LRSAM1):c.1236C>A (p.Asn412Lys)

Gene: LRSAM1 (leucine rich repeat and sterile alpha motif containing 1; plus strand). Cytogenetic location: 9q33.3.
Variant type: single nucleotide variant.
Coding change: c.1236C>A on transcript NM_001005373.4 (MANE Select); coding-DNA position 1236, C replaced by A.
Protein change: p.Asn412Lys; replaces asparagine 412 with lysine.
Molecular consequence: missense variant. On other transcripts: non-coding transcript variant (2).
Genome position (GRCh38, 1-based): chr9:127,485,812, C>A. VCF-style: chr9-127485812-C-A. GRCh37 (hg19) VCF-style: chr9-130248091-C-A.
Other names: c.1236C>A, p.Asn412Lys (NM_001005374.4, NM_001190723.3, NM_001384142.1 and 2 more transcripts); c.447C>A, p.Asn149Lys (NM_001384144.1); short protein forms N412K, N149K.
Identifiers: ClinVar variation 566097 (VCV000566097.9), dbSNP rs186139632, ClinGen allele CA199849706.

ClinVar aggregate classification (germline): Uncertain significance (1 of 4 stars; one submission).

Conditions:
Charcot-Marie-Tooth disease axonal type 2P. Also called: CHARCOT-MARIE-TOOTH DISEASE, AXONAL, TYPE 2G; CMT 2G; CHARCOT-MARIE-TOOTH NEUROPATHY, TYPE 2P; Charcot-Marie-Tooth Neuropathy Type 2G. Identifiers: Orphanet 300319, Orphanet 99941, MedGen C3280797, MONDO:0013753, OMIM 614436.

Allele frequency attached by ClinVar (database versions not stated): 1000 Genomes Project 0.00020; 1000 Genomes Project 30x 0.00031.

Submission:

Labcorp Genetics (formerly Invitae), Labcorp
Classification: Uncertain significance for Charcot-Marie-Tooth disease axonal type 2P. Last evaluated: 2018-03-04. Review status: criteria provided, single submitter. Criteria: Invitae Variant Classification Sherloc (09022015). Collection method: clinical testing. Allele origin: germline.
Comment: In summary, the available evidence is currently insufficient to determine the role of this variant in disease. Therefore, it has been classified as a Variant of Uncertain Significance. Algorithms developed to predict the effect of missense changes on protein structure and function (SIFT, PolyPhen-2, Align-GVGD) all suggest that this variant is likely to be tolerated, but these predictions have not been confirmed by published functional studies and their clinical significance is uncertain. This variant has not been reported in the literature in individuals with LRSAM1-related disease. This variant is not present in population databases (ExAC no frequency). This sequence change replaces asparagine with lysine at codon 412 of the LRSAM1 protein (p.Asn412Lys). The asparagine residue is moderately conserved and there is a moderate physicochemical difference between asparagine and lysine.